The following is an entry in ClinVar:

ClinVar aggregate classification (germline): Uncertain significance (1 of 4 stars; one submission).

Submission:

GeneDx
Classification: Uncertain significance. Last evaluated: 2026-03-26. Review status: criteria provided, single submitter. Criteria: GeneDx Variant Classification Process June 2021. Collection method: clinical testing. Allele origin: germline.
Comment: Not observed at significant frequency in large population cohorts (gnomAD); In silico analysis supports that this missense variant has a deleterious effect on protein structure/function; Has not been previously published as pathogenic or benign to our knowledge

NM_001083619.3(GRIA2):c.34T>C (p.Ser12Pro)

Gene: GRIA2 (glutamate ionotropic receptor AMPA type subunit 2; plus strand). Cytogenetic location: 4q32.1.
Variant type: single nucleotide variant.
Coding change: c.34T>C on transcript NM_001083619.3 (MANE Select); coding-DNA position 34, T replaced by C.
Protein change: p.Ser12Pro; replaces serine 12 with proline.
Molecular consequence: missense variant. On other transcripts: intron variant (3).
Genome position (GRCh38, 1-based): chr4:157,221,076, T>C. VCF-style: chr4-157221076-T-C. GRCh37 (hg19) VCF-style: chr4-158142228-T-C.
Other names: c.34T>C, p.Ser12Pro (NM_000826.6); c.-53-591T>C (NM_001379000.3, NM_001379001.3); c.-54+351T>C (NM_001083620.3); short protein forms S12P.
Identifiers: ClinVar variation 5017206 (VCV005017206.1).